The following is an entry in ClinVar:

ClinVar aggregate classification (germline): Uncertain significance (1 of 4 stars; one submission).

gnomAD v4.1: 10 of 1,613,964 alleles (0.00062%); highest among the groups gnomAD compares: South Asian, 0.0011%; no homozygotes.

Submission:

GeneDx
Classification: Uncertain significance. Last evaluated: 2026-01-10. Review status: criteria provided, single submitter. Criteria: GeneDx Variant Classification Process June 2021. Collection method: clinical testing. Allele origin: germline. Affected: yes.
Comment: Not observed at significant frequency in large population cohorts (gnomAD); In silico analysis supports that this missense variant has a deleterious effect on protein structure/function; This variant is associated with the following publications: (PMID: 38465843)

NM_001288705.3(CSF1R):c.2008G>A (p.Asp670Asn)

Gene: CSF1R (colony stimulating factor 1 receptor; minus strand). Cytogenetic location: 5q32.
Variant type: single nucleotide variant.
Coding change: c.2008G>A on transcript NM_001288705.3 (MANE Select); coding-DNA position 2008, G replaced by A.
Protein change: p.Asp670Asn; replaces aspartic acid 670 with asparagine.
Molecular consequence: missense variant.
Genome position (GRCh38, 1-based): chr5:150,059,824, C>T on the plus strand (G>A on the coding strand, the complement: CSF1R is on the minus strand). VCF-style: chr5-150059824-C-T. GRCh37 (hg19) VCF-style: chr5-149439387-C-T.
Other names: c.2008G>A, p.Asp670Asn (NM_001349736.2, NM_001375320.1, NM_005211.4); c.1564G>A, p.Asp522Asn (NM_001375321.1); short protein forms D522N, D670N.
Identifiers: ClinVar variation 3372387 (VCV003372387.2).